The following is an entry in ClinVar:

ClinVar aggregate classification (germline): Uncertain significance (1 of 4 stars; one submission).

Conditions:
Hereditary spastic paraplegia 31. Also called: SPASTIC PARAPLEGIA 31, AUTOSOMAL DOMINANT. Identifiers: Orphanet 101011, MedGen C1853247, MONDO:0012453, OMIM 610250.

Submission:

Labcorp Genetics (formerly Invitae), Labcorp
Classification: Uncertain significance for Hereditary spastic paraplegia 31. Last evaluated: 2022-08-24. Review status: criteria provided, single submitter. Criteria: Invitae Variant Classification Sherloc (09022015). Collection method: clinical testing. Allele origin: germline.
Comment: This variant is a gross deletion of the genomic region encompassing exon(s) 6 of the REEP1 gene. While this deletion is not anticipated to lead to nonsense mediated decay, it is expected to disrupt the C-terminus of the protein. This variant has not been reported in the literature in individuals affected with REEP1-related conditions. This variant disrupts a region of the REEP1 protein in which other variant(s) (p.Gly183Ser) have been observed in individuals with REEP1-related conditions (PMID: 30373780; Invitae). This suggests that this is a clinically significant region of the protein, and that variants that disrupt it are likely to be disease-causing. In summary, the available evidence is currently insufficient to determine the role of this variant in disease. Therefore, it has been classified as a Variant of Uncertain Significance.

Literature cited by the submitters: PubMed 30373780.

NC_000002.11:g.(?_86459728)_(86459945_?)del

Gene: REEP1 (receptor accessory protein 1; minus strand). Cytogenetic location: 2p11.2.
Variant type: Deletion.
Identifiers: ClinVar variation 2426778 (VCV002426778.4).